The following is an entry in ClinVar:

NM_003743.5(NCOA1):c.3163C>T (p.Arg1055Ter)

Gene: NCOA1 (nuclear receptor coactivator 1; plus strand). Cytogenetic location: 2p23.3.
Variant type: single nucleotide variant.
Coding change: c.3163C>T on transcript NM_003743.5 (MANE Select); coding-DNA position 3163, C replaced by T.
Protein change: p.Arg1055Ter; replaces arginine 1055 with a stop codon.
Molecular consequence: nonsense.
Genome position (GRCh38, 1-based): chr2:24,729,777, C>T. VCF-style: chr2-24729777-C-T. GRCh37 (hg19) VCF-style: chr2-24952646-C-T.
Other names: c.3163C>T, p.Arg1055Ter (NM_001362950.1, NM_001362952.1, NM_001362954.1 and 3 more transcripts); short protein forms R1055*.
Identifiers: ClinVar variation 3350533 (VCV003350533.1).

ClinVar aggregate classification (germline): Uncertain significance (0 of 4 stars; one submission).

Conditions:
NCOA1-related disorder. Also called: NCOA1-related condition.

gnomAD v4.1: 1 of 1,614,016 alleles (0.000062%); highest among the groups gnomAD compares: Non-Finnish European, 0.000085%; no homozygotes.

Submission:

PreventionGenetics, part of Exact Sciences
Classification: Uncertain significance for NCOA1-related condition. Last evaluated: 2023-11-14. Review status: no assertion criteria provided. Collection method: clinical testing. Allele origin: germline.
Comment: The NCOA1 c.3163C>T variant is predicted to result in premature protein termination (p.Arg1055*). To our knowledge, this variant has not been reported in the literature or in a large population database, indicating this variant is rare. Although this gene is predicted to be intolerant of loss of function variants, to date no premature termination variants have been reported in the literature. At this time, the clinical significance of this variant is uncertain due to the absence of conclusive functional and genetic evidence.